The following is an entry in ClinVar:

NM_001165963.4(SCN1A):c.5294T>C (p.Phe1765Ser)

Genes: SCN1A (sodium voltage-gated channel alpha subunit 1; minus strand), LOC102724058 (uncharacterized LOC102724058; plus strand). Cytogenetic location: 2q24.3.
Variant type: single nucleotide variant.
Coding change: c.5294T>C on transcript NM_001165963.4 (MANE Select); coding-DNA position 5294, T replaced by C.
Protein change: p.Phe1765Ser; replaces phenylalanine 1765 with serine.
Molecular consequence: missense variant. On other transcripts: non-coding transcript variant (1).
Genome position (GRCh38, 1-based): chr2:165,991,981, A>G on the plus strand (T>C on the coding strand, the complement: SCN1A is on the minus strand). VCF-style: chr2-165991981-A-G. GRCh37 (hg19) VCF-style: chr2-166848491-A-G.
Other names: c.5294T>C, p.Phe1765Ser (NM_001202435.3, NM_001353948.2); c.5261T>C, p.Phe1754Ser (NM_001353949.2, NM_001353950.2, NM_001353951.2 and 2 more transcripts); c.5210T>C, p.Phe1737Ser (NM_001165964.3, NM_001353957.2, NM_001353958.2); c.5258T>C, p.Phe1753Ser (NM_001353954.2, NM_001353955.2); c.5207T>C, p.Phe1736Ser (NM_001353960.2); c.2852T>C, p.Phe951Ser (NM_001353961.2); short protein forms F1736S, F1737S, F1753S, F1754S, F1765S, F951S.
Identifiers: ClinVar variation 1705492 (VCV001705492.2), dbSNP rs1553520199, ClinGen allele CA349068257.
Genomic context (GRCh38, chr2:165,991,981, plus strand): 5'-ATGACCGCGATGTACATGTTCACCACAACCAGGAAGGATATGATGATGTAACTGACAAAA[A>G]AGAAAATTCCAACAGATGGGTTCCCACAGTCTCCCTTAACTGAGCTTCCAGGGTTAACTT-3'
Protein context (NP_001159435.1, residues 1755-1775): DCGNPSVGIF[Phe1765Ser]FVSYIIISFL

ClinVar aggregate classification (germline): Pathogenic/Likely pathogenic. Review status: criteria provided, multiple submitters, no conflicts (2 of 4 stars). 2 submissions from 2 submitters: Pathogenic (1); Likely pathogenic (1). Last evaluated 2024-05-17.

Conditions:
Severe myoclonic epilepsy in infancy (DRVT). Also called: Epileptic encephalopathy, early infantile, 6 (Dravet syndrome); SEVERE MYOCLONIC EPILEPSY OF INFANCY; DEVELOPMENTAL AND EPILEPTIC ENCEPHALOPATHY 6A; Severe Myoclonic Epilepsy in Infancy (SMEI); Dravet syndrome. Identifiers: Orphanet 33069, MedGen C0751122, MONDO:0100135, OMIM 607208.

Submissions (2):

Division of Genetic & Genomic Pathology, Hong Kong Children's Hospital
Classification: Likely pathogenic for Severe myoclonic epilepsy in infancy. Last evaluated: 2024-05-17. Review status: criteria provided, single submitter. Criteria: ACMG Guidelines, 2015. Collection method: clinical testing. Allele origin: somatic. Affected: yes.
Comment: SCN1A c.5294T>C p.(Phe1765Ser) is a missense variant located in the last exon (i.e. exon 29) of the gene. The variant is absent in population databases (gnomAD v2.1.1 and gnomAD v4.1.0). It has been classified as pathogenic by a single submitter in ClinVar (VCV001705492.1). This variant has been reported in patients with Dravet syndrome (PMID: 31164858, 32427350). In-silico algorithms predict this variant to be strongly damaging with a REVEL score of 0.95. For these reasons, this variant is classified as a likely pathogenic. The variant is a mosaic variant.

3billion
Classification: Pathogenic for Severe myoclonic epilepsy in infancy. Last evaluated: 2022-09-01. Review status: criteria provided, single submitter. Criteria: ACMG Guidelines, 2015. Collection method: clinical testing. Allele origin: germline. Affected: yes. Observed: 1 heterozygote.
Comment: The variant is not observed in the gnomAD v2.1.1 dataset. It is located in a mutational hot spot and/or well-established functional domain in which established pathogenic variants have been reported. Missense changes are a common disease-causing mechanism. In silico tool predictions suggest damaging effect of the variant on gene or gene product (REVEL: 0.95; 3Cnet: 1.00). Same nucleotide change resulting in same amino acid change has been previously reported to be associated with SCN1A-related disorder (PMID: 31164858). The variant has been previously reported as de novo in a similarly affected individual (PMID: 31164858). Different missense changes at the same codon (p.Phe1765Cys, p.Phe1765Leu) have been reported as pathogenic/likely pathogenic with strong evidence (ClinVar ID: VCV000452613 , VCV000963219). Therefore, this variant is classified as Pathogenic according to the recommendation of ACMG/AMP guideline.

Literature cited by the submitters: PubMed 31164858 (cited by Division of Genetic & Genomic Pathology, Hong Kong Children's Hospital and 3billion); PubMed 32427350 (cited by Division of Genetic & Genomic Pathology, Hong Kong Children's Hospital).